The following is an entry in ClinVar:

ClinVar aggregate classification (germline): Uncertain significance. Review status: criteria provided, multiple submitters, no conflicts (2 of 4 stars). 2 submissions from 2 submitters: Uncertain significance (2). Last evaluated 2024-02-02.

Allele frequency attached by ClinVar (database versions not stated): gnomAD exomes below 0.00001.
gnomAD v4.1: 2 of 1,613,012 alleles (0.00012%); highest among the groups gnomAD compares: Admixed American, 0.0033%; no homozygotes.

Submissions (2):

Labcorp Genetics (formerly Invitae), Labcorp
Classification: Uncertain significance. Last evaluated: 2024-02-02. Review status: criteria provided, single submitter. Criteria: Invitae Variant Classification Sherloc (09022015). Collection method: clinical testing. Allele origin: germline.
Comment: This sequence change falls in intron 23 of the LTBP4 gene. It does not directly change the encoded amino acid sequence of the LTBP4 protein. It affects a nucleotide within the consensus splice site. This variant is present in population databases (no rsID available, gnomAD 0.003%). This variant has not been reported in the literature in individuals affected with LTBP4-related conditions. ClinVar contains an entry for this variant (Variation ID: 2442613). Variants that disrupt the consensus splice site are a relatively common cause of aberrant splicing (PMID: 17576681, 9536098). Algorithms developed to predict the effect of sequence changes on RNA splicing suggest that this variant may disrupt the consensus splice site. In summary, the available evidence is currently insufficient to determine the role of this variant in disease. Therefore, it has been classified as a Variant of Uncertain Significance.

GeneDx
Classification: Uncertain significance. Last evaluated: 2023-02-28. Review status: criteria provided, single submitter. Criteria: GeneDx Variant Classification Process June 2021. Collection method: clinical testing. Allele origin: germline. Affected: yes.
Comment: Not observed at significant frequency in large population cohorts (gnomAD); In silico analysis supports a deleterious effect on splicing; Has not been previously published as pathogenic or benign to our knowledge

Literature cited by the submitters: PubMed 17576681 (cited by Labcorp Genetics (formerly Invitae), Labcorp); PubMed 9536098 (cited by Labcorp Genetics (formerly Invitae), Labcorp).

NM_001042545.2(LTBP4):c.2944+5G>C

Gene: LTBP4 (latent transforming growth factor beta binding protein 4; plus strand). Cytogenetic location: 19q13.2.
Variant type: single nucleotide variant.
Coding change: c.2944+5G>C on transcript NM_001042545.2 (MANE Select); 5 bases into the intron after coding-DNA position 2944, G replaced by C.
Molecular consequence: intron variant.
Genome position (GRCh38, 1-based): chr19:40,617,025, G>C. VCF-style: chr19-40617025-G-C. GRCh37 (hg19) VCF-style: chr19-41122931-G-C.
Other names: c.3034+5G>C (NM_003573.2); c.3145+5G>C (NM_001042544.1).
Identifiers: ClinVar variation 2442613 (VCV002442613.2), dbSNP rs1355742321, ClinGen allele CA633466999.
Genomic context (GRCh38, chr19:40,617,025, plus strand): 5'-CTGCACACCAGCCTGTGACCCTGGCTATCAGCCCACGCCAGGGGGCGGATGCCAGGGTGG[G>C]TGTCCATCAGGCATCGGGTGAGATGTGGAGATGGTAGAAGGTCCAGAAATGGCCTGACTG-3'